The following is an entry in ClinVar:

NM_005050.4(ABCD4):c.1752+5C>T

Gene: ABCD4 (ATP binding cassette subfamily D member 4; minus strand). Cytogenetic location: 14q24.3.
Variant type: single nucleotide variant.
Coding change: c.1752+5C>T on transcript NM_005050.4 (MANE Select); 5 bases into the intron after coding-DNA position 1752, C replaced by T.
Molecular consequence: intron variant. On other transcripts: missense variant (10), 3 prime UTR variant (1), non-coding transcript variant (3).
Genome position (GRCh38, 1-based): chr14:74,286,696, G>A on the plus strand (C>T on the coding strand, the complement: ABCD4 is on the minus strand). VCF-style: chr14-74286696-G-A. GRCh37 (hg19) VCF-style: chr14-74753399-G-A.
Other names: c.1631C>T, p.Pro544Leu (NM_001353592.2); c.1445C>T, p.Pro482Leu (NM_001353594.2); c.1280C>T, p.Pro427Leu (NM_001353599.2, NM_001353600.2, NM_001353601.2); c.968C>T, p.Pro323Leu (NM_001353606.2, NM_001353607.2, NM_001353608.2 and 1 more transcripts); c.*94C>T (NM_001353610.2); c.1757C>T, p.Pro586Leu (NM_020325.3); c.1275+5C>T (NM_001353598.2, NM_020324.3); c.1491+5C>T (NM_001353593.2); and 5 more; short protein forms P544L, P323L, P427L, P586L, P482L.
Identifiers: ClinVar variation 517093 (VCV000517093.15), dbSNP rs370270229, ClinGen allele CA7266612.

ClinVar aggregate classification (germline): Benign. Review status: criteria provided, multiple submitters, no conflicts (2 of 4 stars). 4 submissions from 4 submitters: Benign (3). 1 of the submissions does not count toward it. Last evaluated 2026-02-04.

Conditions:
ABCD4-related disorder. Also called: ABCD4-related condition.
Methylmalonic acidemia with homocystinuria, type cblJ (MAHCJ). Also called: METHYLMALONIC ACIDURIA AND HOMOCYSTINURIA, cblJ TYPE. Identifiers: Orphanet 369955, MedGen C3553915, MONDO:0013925, OMIM 614857.

Allele frequency attached by ClinVar (database versions not stated): gnomAD 0.00007 and 0.00147; TOPMed 0.00026; gnomAD exomes 0.00259 and 0.00536; ExAC 0.00585; 1000 Genomes Project 30x 0.00796; 1000 Genomes Project 0.00879.
gnomAD v4.1: 4,045 of 1,614,044 alleles (0.25%); highest among the groups gnomAD compares: South Asian, 4.2%; 131 homozygotes.

Submissions (4):

Labcorp Genetics (formerly Invitae), Labcorp
Classification: Benign for Methylmalonic acidemia with homocystinuria, type cblJ. Last evaluated: 2026-02-04. Review status: criteria provided, single submitter. Criteria: Invitae Variant Classification Sherloc (09022015). Collection method: clinical testing. Allele origin: germline.

GeneDx
Classification: Benign. Last evaluated: 2017-02-01. Review status: criteria provided, single submitter. Criteria: GeneDx Variant Classification (06012015). Collection method: clinical testing. Allele origin: germline. Affected: yes.
Comment: This variant is considered likely benign or benign based on one or more of the following criteria: it is a conservative change, it occurs at a poorly conserved position in the protein, it is predicted to be benign by multiple in silico algorithms, and/or has population frequency not consistent with disease.

Breakthrough Genomics
Classification: Benign. Review status: criteria provided, single submitter. Criteria: ACMG Guidelines, 2015. Collection method: not provided. Allele origin: germline. Inheritance: Autosomal recessive inheritance. Affected: yes.

PreventionGenetics, part of Exact Sciences
Classification: Benign for ABCD4-related condition. Last evaluated: 2024-01-18. Review status: no assertion criteria provided. Collection method: clinical testing. Allele origin: germline. Not counted in ClinVar's aggregate classification.
Comment: This variant is classified as benign based on ACMG/AMP sequence variant interpretation guidelines (Richards et al. 2015 PMID: 25741868, with internal and published modifications).